The following is an entry in ClinVar:

ClinVar aggregate classification (germline): Pathogenic (3 of 4 stars; one submission).

Conditions:
Mucopolysaccharidosis type 1. Also called: IDUA deficiency; MPS I. Identifiers: Orphanet 579, MedGen C0023786, MONDO:0001586.

Submission:

ClinGen Lysosomal Storage Disorder Variant Curation Expert Panel
Classification: Pathogenic for Mucopolysaccharidosis type 1. Last evaluated: 2025-12-01. Review status: reviewed by expert panel. Criteria: ClinGen LSD ACMG Specifications IDUA V1.1.0. Collection method: curation. Allele origin: germline. Inheritance: Autosomal recessive inheritance.
Comment: The NM_000203.5:c.792+1G>T variant in IDUA occurs within the canonical splice donor site of intron 6. It is predicted to cause skipping of biologically-relevant-exon 6 out of 14, resulting in a frameshift leading to nonsense mediated decay in a gene in which loss-of-function is an established disease mechanism (PVS1). A different nucleotide change within the same splice donor dinucleotide, c.792+1G>C (PMID: 21480867), is classified as pathogenic for MPS I by the ClinGen Lysosomal Diseases VCEP (PS1_Supporting). This variant has been detected in 5 individuals with MPS I. Of those individuals, 2 were compound heterozygous for the variant and a variant in IDUA (c.1190-1G>A, ClinVarID: 1204494); the allelic data for this patient will be used to support the classification of c.1190-1G>A and is not included here in order to avoid circular logic. 2 were unable to identify the second variant. 1 individual was homozygous for the variant (0.5 points, PMID: 21734815) (PM3_Supporting). At least 5 patients with this variant had documented IDUA deficiency within the affected range in leukocytes, and clinical features specific to MPS I including hepatosplenomegaly and corneal involvement (PP4). This variant is absent in gnomAD v4.1.0. (PM2_Supporting). In summary, this variant meets the criteria to be classified as pathogenic for MPS I based on the IDUA-specific ACMG/AMP criteria applied, as specified by the ClinGen Lysosomal Diseases Variant Curation Expert Panel (Specifications Version 1.0.0): PVS1, PS1_Supporting, PM3_Supporting, PP4, PM2_Supporting. (Classification approved by the ClinGen Lysosomal Diseases Variant Curation Expert Panel on December 1, 2025)

NM_000203.5(IDUA):c.792+1G>T

Gene: IDUA (alpha-L-iduronidase; plus strand). Cytogenetic location: 4p16.3.
Variant type: single nucleotide variant.
Coding change: c.792+1G>T on transcript NM_000203.5 (MANE Select); the canonical splice donor site of the intron after coding-DNA position 792, G replaced by T.
Molecular consequence: splice donor variant.
Genome position (GRCh38, 1-based): chr4:1,001,882, G>T. VCF-style: chr4-1001882-G-T. GRCh37 (hg19) VCF-style: chr4-995670-G-T.
Other names: NM_001363576.1:c.396+1G>T; c.396+1G>T (NM_001363576.1).
Identifiers: ClinVar variation 4539815 (VCV004539815.1).